The following is an entry in ClinVar:

NM_006000.3(TUBA4A):c.897C>T (p.Ala299=)

Gene: TUBA4A (tubulin alpha 4a; minus strand). Cytogenetic location: 2q35.
Variant type: single nucleotide variant.
Coding change: c.897C>T on transcript NM_006000.3 (MANE Select); coding-DNA position 897, C replaced by T.
Protein change: p.Ala299=; no amino-acid change (alanine 299 retained).
Molecular consequence: synonymous variant.
Genome position (GRCh38, 1-based): chr2:219,250,802, G>A on the plus strand (C>T on the coding strand, the complement: TUBA4A is on the minus strand). VCF-style: chr2-219250802-G-A. GRCh37 (hg19) VCF-style: chr2-220115524-G-A.
Other names: c.852C>T, p.Ala284= (NM_001278552.2).
Identifiers: ClinVar variation 2428870 (VCV002428870.2), dbSNP rs1951634830, ClinGen allele CA431426486.

ClinVar aggregate classification (germline): Uncertain significance (1 of 4 stars; one submission).

Allele frequency attached by ClinVar (database versions not stated): gnomAD exomes below 0.00001; gnomAD 0.00001.

Submission:

GeneDx
Classification: Uncertain significance. Last evaluated: 2022-08-06. Review status: criteria provided, single submitter. Criteria: GeneDx Variant Classification Process June 2021. Collection method: clinical testing. Allele origin: germline. Affected: yes.
Comment: Not observed at significant frequency in large population cohorts (gnomAD); Has not been previously published as pathogenic or benign to our knowledge; In-silico analysis is inconclusive as to whether the variant alters gene splicing. In the absence of RNA/functional studies, the actual effect of this sequence change is unknown.